The following is an entry in ClinVar:

NM_001365951.3(KIF1B):c.1772G>A (p.Gly591Glu)

Gene: KIF1B (kinesin family member 1B; plus strand). Cytogenetic location: 1p36.22.
Variant type: single nucleotide variant.
Coding change: c.1772G>A on transcript NM_001365951.3 (MANE Select); coding-DNA position 1772, G replaced by A.
Protein change: p.Gly591Glu; replaces glycine 591 with glutamic acid.
Molecular consequence: missense variant.
Genome position (GRCh38, 1-based): chr1:10,295,761, G>A. VCF-style: chr1-10295761-G-A. GRCh37 (hg19) VCF-style: chr1-10355819-G-A.
Other names: c.1772G>A, p.Gly591Glu (NM_001365952.1); c.1634G>A, p.Gly545Glu (NM_001365953.1, NM_015074.3, NM_183416.4); short protein forms G545E, G591E.
Identifiers: ClinVar variation 4043098 (VCV004043098.1).

ClinVar aggregate classification (germline): Uncertain significance (1 of 4 stars; one submission).

gnomAD v4.1: 1 of 1,612,252 alleles (0.000062%); highest among the groups gnomAD compares: Non-Finnish European, 0.000085%; no homozygotes.

Submission:

Ambry Genetics
Classification: Uncertain significance. Last evaluated: 2025-04-03. Review status: criteria provided, single submitter. Criteria: Ambry Variant Classification Scheme 2023. Collection method: clinical testing. Allele origin: germline.
Comment: The p.G545E variant (also known as c.1634G>A), located in coding exon 16 of the KIF1B gene, results from a G to A substitution at nucleotide position 1634. The glycine at codon 545 is replaced by glutamic acid, an amino acid with similar properties. This amino acid position is conserved. In addition, this alteration is predicted to be deleterious by in silico analysis. Based on the available evidence, the clinical significance of this variant remains unclear.